The following is an entry in ClinVar:

ClinVar aggregate classification (germline): Uncertain significance (1 of 4 stars; one submission).

Submission:

Ambry Genetics
Classification: Uncertain significance. Last evaluated: 2022-01-07. Review status: criteria provided, single submitter. Criteria: Ambry Variant Classification Scheme 2023. Collection method: clinical testing. Allele origin: germline.
Comment: The p.V1114L variant (also known as c.3340G>C), located in coding exon 4 of the ALPK2 gene, results from a G to C substitution at nucleotide position 3340. The valine at codon 1114 is replaced by leucine, an amino acid with highly similar properties. This amino acid position is conserved. In addition, this alteration is predicted to be tolerated by in silico analysis. Since supporting evidence is limited at this time, the clinical significance of this alteration remains unclear.

NM_052947.4(ALPK2):c.3340G>C (p.Val1114Leu)

Gene: ALPK2 (alpha kinase 2; minus strand). Cytogenetic location: 18q21.31.
Variant type: single nucleotide variant.
Coding change: c.3340G>C on transcript NM_052947.4 (MANE Select); coding-DNA position 3340, G replaced by C.
Protein change: p.Val1114Leu; replaces valine 1114 with leucine.
Molecular consequence: missense variant.
Genome position (GRCh38, 1-based): chr18:58,536,847, C>G on the plus strand (G>C on the coding strand, the complement: ALPK2 is on the minus strand). VCF-style: chr18-58536847-C-G. GRCh37 (hg19) VCF-style: chr18-56204079-C-G.
Other names: short protein forms V1114L.
Identifiers: ClinVar variation 1730419 (VCV001730419.2), dbSNP rs1232400212, ClinGen allele CA402568590.